The following is an entry in ClinVar:

ClinVar aggregate classification (germline): Uncertain significance (1 of 4 stars; one submission).

Conditions:
Left ventricular noncompaction 8 (LVNC8). Identifiers: Orphanet 154, Orphanet 54260, MedGen C3809288, MONDO:0014152, OMIM 615373.

gnomAD v4.1: 3 of 1,613,808 alleles (0.00019%); highest among the groups gnomAD compares: Non-Finnish European, 0.00025%; no homozygotes.

Submission:

Labcorp Genetics (formerly Invitae), Labcorp
Classification: Uncertain significance for Left ventricular noncompaction 8. Last evaluated: 2025-06-30. Review status: criteria provided, single submitter. Criteria: Invitae Variant Classification Sherloc (09022015). Collection method: clinical testing. Allele origin: germline.
Comment: This sequence change replaces methionine, which is neutral and non-polar, with leucine, which is neutral and non-polar, at codon 711 of the PRDM16 protein (p.Met711Leu). This variant is not present in population databases (gnomAD no frequency). This variant has not been reported in the literature in individuals affected with PRDM16-related conditions. An algorithm developed to predict the effect of missense changes on protein structure and function (PolyPhen-2) suggests that this variant is likely to be tolerated. In summary, the available evidence is currently insufficient to determine the role of this variant in disease. Therefore, it has been classified as a Variant of Uncertain Significance.

NM_022114.4(PRDM16):c.2131A>T (p.Met711Leu)

Gene: PRDM16 (PR/SET domain 16; plus strand). Cytogenetic location: 1p36.32.
Variant type: single nucleotide variant.
Coding change: c.2131A>T on transcript NM_022114.4 (MANE Select); coding-DNA position 2131, A replaced by T.
Protein change: p.Met711Leu; replaces methionine 711 with leucine.
Molecular consequence: missense variant.
Genome position (GRCh38, 1-based): chr1:3,412,328, A>T. VCF-style: chr1-3412328-A-T. GRCh37 (hg19) VCF-style: chr1-3328892-A-T.
Other names: c.2131A>T, p.Met711Leu (NM_199454.3); short protein forms M711L.
Identifiers: ClinVar variation 4774660 (VCV004774660.1).